The following is an entry in ClinVar:

ClinVar aggregate classification (germline): Likely pathogenic (1 of 4 stars; one submission).

Conditions:
Autosomal recessive limb-girdle muscular dystrophy type 2J (LGMDR10). Also called: Limb-girdle muscular dystrophy, type 2J; MUSCULAR DYSTROPHY, LIMB-GIRDLE, AUTOSOMAL RECESSIVE 10. Identifiers: Orphanet 140922, MedGen C1837342, MONDO:0012127, OMIM 608807.
Dilated cardiomyopathy 1G (CMD1G). Identifiers: Orphanet 154, MedGen C1858763, MONDO:0011400, OMIM 604145.

Submission:

Labcorp Genetics (formerly Invitae), Labcorp
Classification: Likely pathogenic for Dilated cardiomyopathy 1G; Autosomal recessive limb-girdle muscular dystrophy type 2J. Last evaluated: 2024-10-28. Review status: criteria provided, single submitter. Criteria: Invitae Variant Classification Sherloc (09022015). Collection method: clinical testing. Allele origin: germline.
Comment: This sequence change affects a donor splice site in intron 118 of the TTN gene. It is expected to disrupt RNA splicing and likely results in a truncated or disrupted TTN protein. This variant is not present in population databases (gnomAD no frequency). This variant has not been reported in the literature in individuals affected with TTN-related conditions. ClinVar contains an entry for this variant (Variation ID: 467003). Algorithms developed to predict the effect of sequence changes on RNA splicing suggest that this variant may disrupt the consensus splice site. This variant is located in the I band of TTN (PMID: 25589632). Truncating variants in this region have been reported in individuals affected with autosomal recessive centronuclear myopathy (PMID: 23975875, internal data). Truncating variants in this region have also been identified in individuals affected with autosomal dominant dilated cardiomyopathy and/or cardio-related conditions (PMID: 27869827, 32964742, internal data). In summary, the currently available evidence indicates that the variant is pathogenic, but additional data are needed to prove that conclusively. Therefore, this variant has been classified as Likely Pathogenic.

Literature cited by the submitters: PubMed 25589632; PubMed 23975875; PubMed 27869827; PubMed 32964742.

NM_001267550.2(TTN):c.31513+1G>A

Gene: TTN (titin; minus strand). Cytogenetic location: 2q31.2.
Variant type: single nucleotide variant.
Coding change: c.31513+1G>A on transcript NM_001267550.2 (MANE Select); the canonical splice donor site of the intron after coding-DNA position 31513, G replaced by A.
Molecular consequence: splice donor variant. On other transcripts: intron variant (3).
Genome position (GRCh38, 1-based): chr2:178,693,921, C>T on the plus strand (G>A on the coding strand, the complement: TTN is on the minus strand). VCF-style: chr2-178693921-C-T. GRCh37 (hg19) VCF-style: chr2-179558648-C-T.
Other names: c.13282+44161G>A (NM_003319.4); c.13858+44161G>A (NM_133437.4); c.13657+44161G>A (NM_133432.3); c.27781+1G>A (NM_133378.4); c.30562+1G>A (NM_001256850.1).
Identifiers: ClinVar variation 467003 (VCV000467003.9), dbSNP rs1553860401, ClinGen allele CA349561364.